The following is an entry in ClinVar:

ClinVar aggregate classification (germline): Pathogenic (1 of 4 stars; one submission).

Submission:

ISCA site 4
Classification: Pathogenic. Last evaluated: 2011-08-12. Review status: criteria provided, single submitter. Criteria: Kaminsky et al. (Genet Med. 2011). Collection method: clinical testing. Allele origin: unknown. Affected: yes. Observed: 1 variant allele.
Comment: Copy number variation identified through the course of routine clinical cytogenomic testing in postnatal populations. Clinical assertions have been curated as described in Kaminsky et al. 2011.

GRCh38/hg38 1p32.1-31.1(chr1:60473800-70944955)x1

Genes: AK4 (adenylate kinase 4; plus strand), ALG6 (ALG6 alpha-1,3-glucosyltransferase; plus strand), ANGPTL3 (angiopoietin like 3; plus strand), ANKRD13C (ankyrin repeat domain 13C; minus strand), ANKRD13C-DT (ANKRD13C divergent transcript; plus strand) and 252 more. Cytogenetic location: 1p32.1-31.1.
Variant type: copy number loss.
Change: copy number 1 (one copy instead of two) of chr1:60,473,800-70,944,955 (10.47 Mb, GRCh38 coordinates, 1-based), cytogenetic band 1p32.1-31.1.
Identifiers: ClinVar variation 57090 (VCV000057090.1).